The following is an entry in ClinVar:

NM_000440.3(PDE6A):c.238A>G (p.Asn80Asp)

Gene: PDE6A (phosphodiesterase 6A; minus strand). Cytogenetic location: 5q32.
Variant type: single nucleotide variant.
Coding change: c.238A>G on transcript NM_000440.3 (MANE Select); coding-DNA position 238, A replaced by G.
Protein change: p.Asn80Asp; replaces asparagine 80 with aspartic acid.
Molecular consequence: missense variant.
Genome position (GRCh38, 1-based): chr5:149,944,436, T>C on the plus strand (A>G on the coding strand, the complement: PDE6A is on the minus strand). VCF-style: chr5-149944436-T-C. GRCh37 (hg19) VCF-style: chr5-149323999-T-C.
Other names: c.238A>G (NM_000440.2); short protein forms N80D.
Identifiers: ClinVar variation 1004763 (VCV001004763.9), dbSNP rs373452105, ClinGen allele CA129059292.
Genomic context (GRCh38, chr5:149,944,436, plus strand): 5'-GGTACATGAACAGGCTCATGCGGTCTGCCTGCAGGAGGAAGCACAGCTTCTTCATGACAT[T>C]GAAGATGCATTTCTCTGTCTGTAAATTCTCCTGAAAGTCCCGCAGGAGATCAAAGATGAT-3'
Protein context (NP_000431.2, residues 70-90): ENLQTEKCIF[Asn80Asp]VMKKLCFLLQ

ClinVar aggregate classification (germline): Uncertain significance. Review status: criteria provided, multiple submitters, no conflicts (2 of 4 stars). 3 submissions from 3 submitters: Uncertain significance (3). Last evaluated 2023-09-14.

Conditions:
Inborn genetic diseases. Identifiers: MedGen C0950123, MeSH D030342.

Allele frequency attached by ClinVar (database versions not stated): gnomAD exomes below 0.00001 and 0.00001; gnomAD 0.00001; TOPMed 0.00002; ESP Exome Variant Server 0.00008.
gnomAD v4.1: 8 of 1,613,992 alleles (0.0005%); highest among the groups gnomAD compares: Non-Finnish European, 0.00068%; no homozygotes.

Submissions (3):

Ambry Genetics
Classification: Uncertain significance for Inborn genetic diseases. Last evaluated: 2023-09-14. Review status: criteria provided, single submitter. Criteria: Ambry Variant Classification Scheme 2023. Collection method: clinical testing. Allele origin: germline.

Labcorp Genetics (formerly Invitae), Labcorp
Classification: Uncertain significance. Last evaluated: 2022-08-16. Review status: criteria provided, single submitter. Criteria: Invitae Variant Classification Sherloc (09022015). Collection method: clinical testing. Allele origin: germline.
Comment: In summary, the available evidence is currently insufficient to determine the role of this variant in disease. Therefore, it has been classified as a Variant of Uncertain Significance. Algorithms developed to predict the effect of missense changes on protein structure and function (SIFT, PolyPhen-2, Align-GVGD) all suggest that this variant is likely to be tolerated. ClinVar contains an entry for this variant (Variation ID: 1004763). This variant has not been reported in the literature in individuals affected with PDE6A-related conditions. This variant is not present in population databases (gnomAD no frequency). This sequence change replaces asparagine, which is neutral and polar, with aspartic acid, which is acidic and polar, at codon 80 of the PDE6A protein (p.Asn80Asp).

Blueprint Genetics
Classification: Uncertain significance. Last evaluated: 2022-02-08. Review status: criteria provided, single submitter. Criteria: ACMG Guidelines, 2015. Collection method: clinical testing. Allele origin: germline.